The following is an entry in ClinVar:

NM_000384.3(APOB):c.10850G>A (p.Gly3617Asp)

Gene: APOB (apolipoprotein B; minus strand). Cytogenetic location: 2p24.1.
Variant type: single nucleotide variant.
Coding change: c.10850G>A on transcript NM_000384.3 (MANE Select); coding-DNA position 10850, G replaced by A.
Protein change: p.Gly3617Asp; replaces glycine 3617 with aspartic acid.
Molecular consequence: missense variant.
Genome position (GRCh38, 1-based): chr2:21,006,018, C>T on the plus strand (G>A on the coding strand, the complement: APOB is on the minus strand). VCF-style: chr2-21006018-C-T. GRCh37 (hg19) VCF-style: chr2-21228890-C-T.
Other names: short protein forms G3617D.
Identifiers: ClinVar variation 2451321 (VCV002451321.5), dbSNP rs139329252, ClinGen allele CA43494914.

ClinVar aggregate classification (germline): Uncertain significance. Review status: criteria provided, multiple submitters, no conflicts (2 of 4 stars). 2 submissions from 2 submitters: Uncertain significance (2). Last evaluated 2024-01-13.

Conditions:
Familial hypobetalipoproteinemia 1. Also called: APOB-Related Familial Hypobetalipoproteinemia; Hypobetalipoproteinemia, normotriglyceridemic; Acanthocytosis with hypobetalipoproteinemia. Identifiers: MedGen C4551990, MONDO:0014252, OMIM 615558.
Hypercholesterolemia, autosomal dominant, type B (FHCL2). Also called: APOLIPOPROTEIN B-100, FAMILIAL DEFECTIVE; APOLIPOPROTEIN B-100, FAMILIAL LIGAND-DEFECTIVE; HYPERCHOLESTEROLEMIA, FAMILIAL, DUE TO LIGAND-DEFECTIVE APOLIPOPROTEIN B; Familial Hypercholesterolemia Type B; APOB-Related Familial Hypercholesterolemia, Autosomal Dominant; Hyperlipoproteinemia Type IIb. Identifiers: MedGen C1704417, MONDO:0007751, OMIM 144010.
Cardiovascular phenotype. Identifiers: MedGen CN230736.

Allele frequency attached by ClinVar (database versions not stated): gnomAD exomes below 0.00001; gnomAD 0.00001; TOPMed 0.00001; ESP Exome Variant Server 0.00008.
gnomAD v4.1: 4 of 1,613,850 alleles (0.00025%); highest among the groups gnomAD compares: Non-Finnish European, 0.00034%; no homozygotes.

Submissions (2):

Labcorp Genetics (formerly Invitae), Labcorp
Classification: Uncertain significance for Familial hypobetalipoproteinemia 1; Hypercholesterolemia, autosomal dominant, type B. Last evaluated: 2024-01-13. Review status: criteria provided, single submitter. Criteria: Invitae Variant Classification Sherloc (09022015). Collection method: clinical testing. Allele origin: germline.
Comment: This sequence change replaces glycine, which is neutral and non-polar, with aspartic acid, which is acidic and polar, at codon 3617 of the APOB protein (p.Gly3617Asp). This variant is not present in population databases (gnomAD no frequency). This variant has not been reported in the literature in individuals affected with APOB-related conditions. ClinVar contains an entry for this variant (Variation ID: 2451321). Advanced modeling of protein sequence and biophysical properties (such as structural, functional, and spatial information, amino acid conservation, physicochemical variation, residue mobility, and thermodynamic stability) performed at Invitae indicates that this missense variant is not expected to disrupt APOB protein function with a negative predictive value of 95%. In summary, the available evidence is currently insufficient to determine the role of this variant in disease. Therefore, it has been classified as a Variant of Uncertain Significance.

Ambry Genetics
Classification: Uncertain significance for Cardiovascular phenotype. Last evaluated: 2023-02-03. Review status: criteria provided, single submitter. Criteria: Ambry Variant Classification Scheme 2023. Collection method: clinical testing. Allele origin: germline.
Comment: The p.G3617D variant (also known as c.10850G>A), located in coding exon 26 of the APOB gene, results from a G to A substitution at nucleotide position 10850. The glycine at codon 3617 is replaced by aspartic acid, an amino acid with similar properties. This amino acid position is conserved. In addition, this alteration is predicted to be tolerated by in silico analysis. Since supporting evidence is limited at this time, the clinical significance of this alteration remains unclear.